The following is an entry in ClinVar:

ClinVar aggregate classification (germline): Benign/Likely benign. Review status: criteria provided, multiple submitters, no conflicts (2 of 4 stars). 10 submissions from 10 submitters: Benign (3); Likely benign (5). 2 of the submissions do not count toward it. Last evaluated 2026-09-01.

Conditions:
Inborn genetic diseases. Identifiers: MedGen C0950123, MeSH D030342.
Cowden syndrome 6 (CWS6). Identifiers: Orphanet 201, MedGen C3554519, MONDO:0014048, OMIM 615109.

Allele frequency attached by ClinVar (database versions not stated): TOPMed 0.00253; ESP Exome Variant Server 0.00361; 1000 Genomes Project 0.00060; 1000 Genomes Project 30x 0.00062; gnomAD 0.00215 and 0.00224; gnomAD exomes 0.00248; ExAC 0.00251.
gnomAD v4.1: 5,830 of 1,614,134 alleles (0.36%); highest among the groups gnomAD compares: Non-Finnish European, 0.45%; 17 homozygotes.

Submissions (10):

CeGaT Center for Human Genetics Tuebingen
Classification: Likely benign. Last evaluated: 2026-09-01. Review status: criteria provided, single submitter. Criteria: CeGaT Center For Human Genetics Tuebingen Variant Classification Criteria Version 2. Collection method: clinical testing. Allele origin: germline. Affected: yes. Observed: 40 variant alleles.
Comment: AKT1: BP4, BP7, BS2

Labcorp Genetics (formerly Invitae), Labcorp
Classification: Benign for Cowden syndrome 6. Last evaluated: 2026-01-26. Review status: criteria provided, single submitter. Criteria: Invitae Variant Classification Sherloc (09022015). Collection method: clinical testing. Allele origin: germline.

KCCC/NGS Laboratory, Kuwait Cancer Control Center
Classification: Benign for Cowden syndrome 6. Last evaluated: 2025-02-01. Review status: criteria provided, single submitter. Criteria: ACMG Guidelines, 2015. Collection method: clinical testing. Allele origin: germline. Affected: no.

Blueprint Genetics
Classification: Likely benign. Last evaluated: 2024-11-27. Review status: criteria provided, single submitter. Criteria: ACMG Guidelines, 2015. Collection method: clinical testing. Allele origin: germline.

Ambry Genetics
Classification: Likely benign for Inborn genetic diseases. Last evaluated: 2022-02-12. Review status: criteria provided, single submitter. Criteria: Ambry Variant Classification Scheme 2023. Collection method: clinical testing. Allele origin: germline.

Institute for Clinical Genetics, University Hospital TU Dresden, University Hospital TU Dresden
Classification: Likely benign. Last evaluated: 2021-11-03. Review status: criteria provided, single submitter. Criteria: ACMG Guidelines, 2015. Collection method: clinical testing. Allele origin: germline.

ARUP Laboratories, Molecular Genetics and Genomics, ARUP Laboratories
Classification: Benign. Last evaluated: 2020-02-27. Review status: criteria provided, single submitter. Criteria: ARUP Molecular Germline Variant Investigation Process. Collection method: clinical testing. Allele origin: germline.

Breakthrough Genomics
Classification: Likely benign. Review status: criteria provided, single submitter. Criteria: ACMG Guidelines, 2015. Collection method: not provided. Allele origin: germline. Inheritance: Autosomal dominant inheritance. Affected: yes.

Clinical Genetics DNA and cytogenetics Diagnostics Lab, Erasmus MC, Erasmus Medical Center
Classification: Likely benign. Review status: no assertion criteria provided. Collection method: clinical testing. Allele origin: germline. Affected: yes. Study: VKGL Data-share Consensus. Not counted in ClinVar's aggregate classification.

Genome Diagnostics Laboratory, Amsterdam University Medical Center
Classification: Benign. Review status: no assertion criteria provided. Collection method: clinical testing. Allele origin: germline. Affected: yes. Study: VKGL Data-share Consensus. Not counted in ClinVar's aggregate classification.

NM_001382430.1(AKT1):c.1020C>T (p.Tyr340=)

Gene: AKT1 (AKT serine/threonine kinase 1; minus strand). Cytogenetic location: 14q32.33.
Variant type: single nucleotide variant.
Coding change: c.1020C>T on transcript NM_001382430.1 (MANE Select); coding-DNA position 1020, C replaced by T.
Protein change: p.Tyr340=; no amino-acid change (tyrosine 340 retained).
Molecular consequence: synonymous variant.
Genome position (GRCh38, 1-based): chr14:104,773,030, G>A on the plus strand (C>T on the coding strand, the complement: AKT1 is on the minus strand). VCF-style: chr14-104773030-G-A. GRCh37 (hg19) VCF-style: chr14-105239367-G-A.
Other names: c.1020C>T, p.Tyr340= (NM_001014431.2, NM_001014432.2, NM_001382431.1 and 3 more transcripts); c.1020C>T (NM_001014431.1).
Identifiers: ClinVar variation 240101 (VCV000240101.87), dbSNP rs144088506, ClinGen allele CA7374579.